The following is an entry in ClinVar:

NM_006231.4(POLE):c.4680C>G (p.Asp1560Glu)

Gene: POLE (DNA polymerase epsilon, catalytic subunit; minus strand). Cytogenetic location: 12q24.33.
Variant type: single nucleotide variant.
Coding change: c.4680C>G on transcript NM_006231.4 (MANE Select); coding-DNA position 4680, C replaced by G.
Protein change: p.Asp1560Glu; replaces aspartic acid 1560 with glutamic acid.
Molecular consequence: missense variant.
Genome position (GRCh38, 1-based): chr12:132,642,868, G>C on the plus strand (C>G on the coding strand, the complement: POLE is on the minus strand). VCF-style: chr12-132642868-G-C. GRCh37 (hg19) VCF-style: chr12-133219454-G-C.
Other names: short protein forms D1560E.
Identifiers: ClinVar variation 240534 (VCV000240534.14), dbSNP rs774425403, ClinGen allele CA6892747.

ClinVar aggregate classification (germline): Uncertain significance. Review status: criteria provided, multiple submitters, no conflicts (2 of 4 stars). 3 submissions from 3 submitters: Uncertain significance (3). Last evaluated 2025-11-15.

Conditions:
Hereditary cancer-predisposing syndrome. Also called: Tumor predisposition; Neoplastic Syndromes, Hereditary; Hereditary Cancer Syndrome; Hereditary neoplastic syndrome. Identifiers: Orphanet 140162, MedGen C0027672, MeSH D009386, MONDO:0015356.

Allele frequency attached by ClinVar (database versions not stated): TOPMed 0.00001; gnomAD 0.00003.
gnomAD v4.1: 51 of 1,613,892 alleles (0.0032%); highest among the groups gnomAD compares: Admixed American, 0.012%; no homozygotes.

Submissions (3):

Labcorp Genetics (formerly Invitae), Labcorp
Classification: Uncertain significance. Last evaluated: 2025-11-15. Review status: criteria provided, single submitter. Criteria: Invitae Variant Classification Sherloc (09022015). Collection method: clinical testing. Allele origin: germline.
Comment: This sequence change replaces aspartic acid, which is acidic and polar, with glutamic acid, which is acidic and polar, at codon 1560 of the POLE protein (p.Asp1560Glu). This variant is present in population databases (rs774425403, gnomAD 0.006%). This missense change has been observed in individual(s) with breast cancer (PMID: 35534704). ClinVar contains an entry for this variant (Variation ID: 240534). Invitae Evidence Modeling of protein sequence and biophysical properties (such as structural, functional, and spatial information, amino acid conservation, physicochemical variation, residue mobility, and thermodynamic stability) indicates that this missense variant is not expected to disrupt POLE protein function with a negative predictive value of 80%. In summary, the available evidence is currently insufficient to determine the role of this variant in disease. Therefore, it has been classified as a Variant of Uncertain Significance.

Ambry Genetics
Classification: Uncertain significance for Hereditary cancer-predisposing syndrome. Last evaluated: 2025-01-02. Review status: criteria provided, single submitter. Criteria: Ambry Variant Classification Scheme 2023. Collection method: clinical testing. Allele origin: germline.
Comment: The p.D1560E variant (also known as c.4680C>G), located in coding exon 36 of the POLE gene, results from a C to G substitution at nucleotide position 4680. The aspartic acid at codon 1560 is replaced by glutamic acid, an amino acid with highly similar properties. This variant was observed in an individual with a personal and family history of breast cancer in a cohort of 1682 individuals who underwent multi-gene panel testing (de Oliveira JM et al. Eur J Hum Genet, 2022 Jul;30:818-823). This amino acid position is conserved. In addition, this alteration is predicted to be tolerated by in silico analysis. Since supporting evidence is limited at this time, the clinical significance of this alteration remains unclear.

GeneDx
Classification: Uncertain significance. Last evaluated: 2019-09-26. Review status: criteria provided, single submitter. Criteria: GeneDx Variant Classification Process June 2021. Collection method: clinical testing. Allele origin: germline. Affected: yes.
Comment: In silico analysis, which includes protein predictors and evolutionary conservation, supports that this variant does not alter protein structure/function; Has not been previously published as pathogenic or benign to our knowledge

Literature cited by the submitters: PubMed 35534704 (cited by Labcorp Genetics (formerly Invitae), Labcorp and Ambry Genetics).